The following is an entry in ClinVar:

ClinVar aggregate classification (germline): Uncertain significance (1 of 4 stars; one submission).

Submission:

Labcorp Genetics (formerly Invitae), Labcorp
Classification: Uncertain significance. Last evaluated: 2024-08-12. Review status: criteria provided, single submitter. Criteria: Invitae Variant Classification Sherloc (09022015). Collection method: clinical testing. Allele origin: germline.
Comment: This sequence change replaces aspartic acid, which is acidic and polar, with asparagine, which is neutral and polar, at codon 1445 of the SPEG protein (p.Asp1445Asn). This variant is not present in population databases (gnomAD no frequency). This variant has not been reported in the literature in individuals affected with SPEG-related conditions. ClinVar contains an entry for this variant (Variation ID: 2075254). An algorithm developed to predict the effect of missense changes on protein structure and function (PolyPhen-2) suggests that this variant is likely to be tolerated. In summary, the available evidence is currently insufficient to determine the role of this variant in disease. Therefore, it has been classified as a Variant of Uncertain Significance.

NM_005876.5(SPEG):c.4333G>A (p.Asp1445Asn)

Gene: SPEG (striated muscle enriched protein kinase; plus strand). Cytogenetic location: 2q35.
Variant type: single nucleotide variant.
Coding change: c.4333G>A on transcript NM_005876.5 (MANE Select); coding-DNA position 4333, G replaced by A.
Protein change: p.Asp1445Asn; replaces aspartic acid 1445 with asparagine.
Molecular consequence: missense variant.
Genome position (GRCh38, 1-based): chr2:219,473,789, G>A. VCF-style: chr2-219473789-G-A. GRCh37 (hg19) VCF-style: chr2-220338511-G-A.
Other names: short protein forms D1445N.
Identifiers: ClinVar variation 2075254 (VCV002075254.3), dbSNP rs1692101972, ClinGen allele CA350678148.